The following is an entry in ClinVar:

ClinVar aggregate classification (germline): Conflicting classifications of pathogenicity. Review status: criteria provided, conflicting classifications (1 of 4 stars). 15 submissions from 15 submitters: Uncertain significance (12); Likely benign (2). 1 of the submissions does not count toward it. Last evaluated 2026-08-14.

Conditions:
BRCA2-related disorder. Also called: BRCA2-related condition; BRCA2-related disorders. Identifiers: MedGen CN239275.
Familial cancer of breast. Also called: hereditary breast carcinoma; BREAST CANCER, FAMILIAL; Hereditary breast cancer. Identifiers: Orphanet 227535, MedGen C0346153, MONDO:0016419, OMIM 114480. Disease mechanism: loss of function.
Breast-ovarian cancer, familial, susceptibility to, 2 (BROVCA2). Also called: BRCA2 Hereditary Breast and Ovarian Cancer. Identifiers: Orphanet 145, MedGen C2675520, MONDO:0012933, OMIM 612555. Disease mechanism: loss of function.
Fanconi anemia complementation group D1. Also called: BRCA2-Related Fanconi Anemia. Identifiers: Orphanet 319462, MedGen C1838457, MONDO:0011584, OMIM 605724.
Medulloblastoma (MDB). Also called: Medulloblastoma, somatic; MEDULLOBLASTOMA PREDISPOSITION SYNDROME. Identifiers: Orphanet 616, MedGen C0025149, MeSH D008527, MONDO:0007959, OMIM 155255, HP:0002885.
Prostate cancer. Also called: Malignant tumor of prostate. Identifiers: Orphanet 1331, MedGen C0376358, MONDO:0008315, HP:0012125.
Wilms tumor 1 (WT1). Also called: Wilms tumor, somatic. Identifiers: Orphanet 654, MedGen CN033288, MONDO:0008679, OMIM 194070.
Pancreatic cancer, susceptibility to, 2. Identifiers: Orphanet 1333, MedGen C3150546, MONDO:0013235, OMIM 613347.
Glioma susceptibility 3 (GLM3). Also called: Glioblastoma 3. Identifiers: Orphanet 182067, Orphanet 360, MedGen C2751641, MONDO:0013093, OMIM 613029.
Hereditary cancer-predisposing syndrome. Also called: Neoplastic Syndromes, Hereditary; Hereditary neoplastic syndrome; Hereditary Cancer Syndrome; Tumor predisposition. Identifiers: Orphanet 140162, MedGen C0027672, MeSH D009386, MONDO:0015356.
Hereditary breast ovarian cancer syndrome. Also called: BRCA1- and BRCA2-Associated Hereditary Breast and Ovarian Cancer; Hereditary breast and ovarian cancer syndrome; Hereditary breast and ovarian cancer syndrome (HBOC); Hereditary breast and ovarian cancer; Breast and ovarian cancer; Hereditary breast and/or ovarian cancer syndrome. Identifiers: Orphanet 145, MedGen C0677776, MeSH D061325, MONDO:0003582. Disease mechanism: loss of function.

Submissions 1 to 9 of 15:

PreventionGenetics, part of Exact Sciences
Classification: Uncertain significance for BRCA2-related condition. Last evaluated: 2026-08-14. Review status: criteria provided, single submitter. Criteria: ACMG Guidelines, 2015. Collection method: clinical testing. Allele origin: germline.
Comment: The BRCA2 c.9052_9057del6 variant is predicted to result in an in-frame deletion (p.Lys3019_Ser3020del). This variant is also known as c.9280_9285del and p.S3018_K3019del and has been reported in individuals with a personal or family history of breast and/or ovarian cancer (de Juan Jiménez et al. 2012. PubMed ID: 21918853; Table S1, Capone et al. 2017. PubMed ID: 29061375; Boga et al. 2023. PubMed ID: 37415649). This variant is reported in 0.032% of alleles in individuals of African descent in gnomAD. In ClinVar, this variant has conflicting interpretations ranging from uncertain significance to likely benign (Variation ID: 185294). At this time, the clinical significance of this variant is uncertain due to the absence of conclusive functional and genetic evidence.

Labcorp Genetics (formerly Invitae), Labcorp
Classification: Uncertain significance for Hereditary breast ovarian cancer syndrome. Last evaluated: 2026-01-27. Review status: criteria provided, single submitter. Criteria: Invitae Variant Classification Sherloc (09022015). Collection method: clinical testing. Allele origin: germline.
Comment: This variant, c.9052_9057del, results in the deletion of 2 amino acid(s) of the BRCA2 protein (p.Lys3019_Ser3020del), but otherwise preserves the integrity of the reading frame. This variant is present in population databases (rs763756705, gnomAD 0.03%). This variant has been observed in individual(s) with BRCA2-related cancers (PMID: 21918853, 26580448). This variant is also known as c.9280_9285del (p.3014_3015delSK) or S3018_K3019del. ClinVar contains an entry for this variant (Variation ID: 185294). Experimental studies and prediction algorithms are not available or were not evaluated, and the functional significance of this variant is currently unknown. In summary, the available evidence is currently insufficient to determine the role of this variant in disease. Therefore, it has been classified as a Variant of Uncertain Significance.

Color Diagnostics, LLC DBA Color Health
Classification: Likely benign for Hereditary cancer-predisposing syndrome. Last evaluated: 2025-11-25. Review status: criteria provided, single submitter. Criteria: ACMG Guidelines, 2015. Collection method: clinical testing. Allele origin: germline.

Women's Health and Genetics/Laboratory Corporation of America, LabCorp
Classification: Uncertain significance. Last evaluated: 2025-08-25. Review status: criteria provided, single submitter. Criteria: LabCorp Variant Classification Summary - May 2015. Collection method: clinical testing. Allele origin: germline.
Comment: Variant summary: BRCA2 c.9052_9057delAGTAAA (p.Lys3019_Ser3020del) results in an in-frame deletion that is predicted to remove two amino acids from the encoded protein. Consensus agreement among computation tools predict no significant impact on normal splicing. However, these predictions have yet to be confirmed by functional studies. The variant allele was found at a frequency of 2.8e-05 in 250472 control chromosomes. The available data on variant occurrences in the general population are insufficient to allow any conclusion about variant significance. c.9052_9057delAGTAAA has been reported in the literature in individuals affected with breast cancer (deJuanJimenez_2021), individuals with a personal or family history of BRCA-related cancer (Houdayer_2012, Bisgin_2022, Capone_2018), and in a pediatric osteosarcoma case ( Zhang_2015), however without strong evidence for causality. These report(s) do not provide unequivocal conclusions about association of the variant with Hereditary Breast And Ovarian Cancer Syndrome. Additionally, 4/4 computational tools predict no significant impact on normal splicing, and these predictions are supported by a functional study that found the variant had no effect on splicing at the cDNA level (Houdayer_2012). To our knowledge, no experimental evidence demonstrating an impact on protein function has been reported. The following publications have been ascertained in the context of this evaluation (PMID: 35753294, 29061375, 22505045, 28243543, 26580448, 21918853). ClinVar contains an entry for this variant (Variation ID: 185294). Based on the evidence outlined above, the variant was classified as uncertain significance.

Dasa
Classification: Uncertain significance for Breast-ovarian cancer, familial, susceptibility to, 2. Last evaluated: 2025-05-21. Review status: criteria provided, single submitter. Criteria: DASA Assertion Criteria. Collection method: clinical testing. Allele origin: germline.
Comment: NM_000059.4(BRCA2):c.9052_9057del (p.Lys3019_Ser3020del) is an in-frame deletion predicted to remove amino acids from lysine at protein position 3019 through serine at protein position 3020 without shifting the reading frame. This classification is supported by population frequency inconsistent with a disease-causing role. The currently available literature and clinical evidence are not sufficient to establish a definitive association between this variant and the reported condition. Therefore, this variant is classified as a variant of uncertain significance.

GeneDx
Classification: Uncertain significance. Last evaluated: 2025-03-05. Review status: criteria provided, single submitter. Criteria: GeneDx Variant Classification Process June 2021. Collection method: clinical testing. Allele origin: germline. Affected: yes.
Comment: Observed in individuals with a personal and/or family history of BRCA2-related cancers and in a pediatric patient with osteosarcoma (PMID: 21918853, 26580448, 29061375, 38069422); In-frame deletion of 2 amino acid(s); In silico analysis supports a deleterious effect on protein structure/function; Also known as 9280_9285delAGTAAA and p.S3018_K3019del; This variant is associated with the following publications: (PMID: 26580448, 21918853, 28243543, 31131967, 29061375, 31853058, 12228710, 38069422, 37216690, 39062721)

Quest Diagnostics Nichols Institute San Juan Capistrano
Classification: Uncertain significance. Last evaluated: 2024-10-27. Review status: criteria provided, single submitter. Criteria: Quest Diagnostics criteria. Collection method: clinical testing. Allele origin: unknown.
Comment: The BRCA2 c.9052_9057del (p.Lys3019_Ser3020del) variant has been reported in individuals with breast cancer (PMID: 37415649 (2023), 21918853 (2012)) and ovarian cancer (PMID: 38069422 (2023)). In addition, this variant has been identified in a family suspected of having hereditary breast/ovarian cancer (PMID: 29061375 (2018)) and in an individual with osteosarcoma (PMID: 26580448 (2015)). The frequency of this variant in the general population, 0.00032 (8/24908 chromosomes (Genome Aggregation Database)), is uninformative in the assessment of its pathogenicity. Based on the available information, we are unable to determine the clinical significance of this variant.

Institute for Biomarker Research, Medical Diagnostic Laboratories, L.L.C.
Classification: Uncertain significance for Hereditary breast ovarian cancer syndrome. Last evaluated: 2024-06-17. Review status: criteria provided, single submitter. Criteria: ACMG Guidelines, 2015. Collection method: clinical testing. Allele origin: germline.

Baylor Genetics
Classification: Uncertain significance for Familial cancer of breast. Last evaluated: 2024-01-02. Review status: criteria provided, single submitter. Criteria: ACMG Guidelines, 2015. Collection method: clinical testing. Allele origin: unknown.

NM_000059.4(BRCA2):c.9052_9057del (p.3015KS[2])

Gene: BRCA2 (BRCA2 DNA repair associated; plus strand). Cytogenetic location: 13q13.1.
Variant type: Deletion.
Coding change: c.9052_9057del on transcript NM_000059.4 (MANE Select); coding-DNA positions 9052 to 9057, 6 bases deleted (AGTAAA; older notation c.9052_9057delAGTAAA).
Protein change: p.3015KS[2].
Molecular consequence: inframe deletion.
Genome position (GRCh38, 1-based): chr13:32,379,848-32,379,853, AGTAAA deleted; deleting any 6 consecutive bases within chr13:32,379,844-32,379,853 gives the same sequence; the c. name uses the placement nearest the transcript's 3' end. VCF-style (leftmost placement, unchanged base first): chr13-32379843-CTAAAAG-C. GRCh37 (hg19) VCF-style: chr13-32953980-CTAAAAG-C.
Other names: c.9052_9057delAGTAAA (NM_000059.3, NM_000059.4).
Identifiers: ClinVar variation 185294 (VCV000185294.47), dbSNP rs786202063, ClinGen allele CA025942.